The following is an entry in ClinVar:

ClinVar aggregate classification (germline): Conflicting classifications of pathogenicity. Review status: criteria provided, conflicting classifications (1 of 4 stars). 4 submissions from 4 submitters: Uncertain significance (2); Benign (1). 1 of the submissions does not count toward it. Last evaluated 2024-11-01.

Conditions:
FAT1-related disorder. Also called: FAT1-related condition.
Inborn genetic diseases. Identifiers: MedGen C0950123, MeSH D030342.

Allele frequency attached by ClinVar (database versions not stated): gnomAD 0.00001 and 0.00019; TOPMed 0.00003; gnomAD exomes 0.00032 and 0.00062; 1000 Genomes Project 30x 0.00062; ExAC 0.00074; 1000 Genomes Project 0.00080.
gnomAD v4.1: 493 of 1,614,006 alleles (0.031%); highest among the groups gnomAD compares: South Asian, 0.51%; 4 homozygotes.

Submissions (4):

Labcorp Genetics (formerly Invitae), Labcorp
Classification: Benign. Last evaluated: 2024-11-01. Review status: criteria provided, single submitter. Criteria: Invitae Variant Classification Sherloc (09022015). Collection method: clinical testing. Allele origin: germline.

Ambry Genetics
Classification: Uncertain significance for Inborn genetic diseases. Last evaluated: 2024-05-02. Review status: criteria provided, single submitter. Criteria: Ambry Variant Classification Scheme 2023. Collection method: clinical testing. Allele origin: germline.

CeGaT Center for Human Genetics Tuebingen
Classification: Uncertain significance. Last evaluated: 2018-10-01. Review status: criteria provided, single submitter. Criteria: CeGaT Center For Human Genetics Tuebingen Variant Classification Criteria Version 2. Collection method: clinical testing. Allele origin: germline. Affected: yes. Observed: 3 variant alleles.

PreventionGenetics, part of Exact Sciences
Classification: Likely benign for FAT1-related condition. Last evaluated: 2020-12-14. Review status: no assertion criteria provided. Collection method: clinical testing. Allele origin: germline. Not counted in ClinVar's aggregate classification.
Comment: This variant is classified as likely benign based on ACMG/AMP sequence variant interpretation guidelines (Richards et al. 2015 PMID: 25741868, with internal and published modifications).

NM_005245.4(FAT1):c.2706A>C (p.Arg902Ser)

Gene: FAT1 (FAT atypical cadherin 1; minus strand). Cytogenetic location: 4q35.2.
Variant type: single nucleotide variant.
Coding change: c.2706A>C on transcript NM_005245.4 (MANE Select); coding-DNA position 2706, A replaced by C.
Protein change: p.Arg902Ser; replaces arginine 902 with serine.
Molecular consequence: missense variant.
Genome position (GRCh38, 1-based): chr4:186,707,122, T>G on the plus strand (A>C on the coding strand, the complement: FAT1 is on the minus strand). VCF-style: chr4-186707122-T-G. GRCh37 (hg19) VCF-style: chr4-187628276-T-G.
Other names: c.2706A>C (NM_005245.3); short protein forms R902S.
Identifiers: ClinVar variation 809716 (VCV000809716.48), dbSNP rs555992573, ClinGen allele CA3167198.